The following is an entry in ClinVar:

ClinVar aggregate classification (germline): Uncertain significance (1 of 4 stars; one submission).

Conditions:
RASopathy. Also called: rasopathies; Noonan spectrum disorder. Identifiers: Orphanet 536391, MedGen C5555857, MONDO:0021060.

Allele frequency attached by ClinVar (database versions not stated): gnomAD exomes below 0.00001.
gnomAD v4.1: 1 of 1,613,816 alleles (0.000062%); highest among the groups gnomAD compares: Non-Finnish European, 0.000085%; no homozygotes.

Submission:

Labcorp Genetics (formerly Invitae), Labcorp
Classification: Uncertain significance for RASopathy. Last evaluated: 2022-09-09. Review status: criteria provided, single submitter. Criteria: Invitae Variant Classification Sherloc (09022015). Collection method: clinical testing. Allele origin: germline.
Comment: This sequence change replaces valine, which is neutral and non-polar, with phenylalanine, which is neutral and non-polar, at codon 152 of the NRAS protein (p.Val152Phe). This variant is not present in population databases (gnomAD no frequency). This variant has not been reported in the literature in individuals affected with NRAS-related conditions. Advanced modeling of protein sequence and biophysical properties (such as structural, functional, and spatial information, amino acid conservation, physicochemical variation, residue mobility, and thermodynamic stability) performed at Invitae indicates that this missense variant is expected to disrupt NRAS protein function. In summary, the available evidence is currently insufficient to determine the role of this variant in disease. Therefore, it has been classified as a Variant of Uncertain Significance.

NM_002524.5(NRAS):c.454G>T (p.Val152Phe)

Gene: NRAS (NRAS proto-oncogene, GTPase; minus strand). Cytogenetic location: 1p13.2.
Variant type: single nucleotide variant.
Coding change: c.454G>T on transcript NM_002524.5 (MANE Select); coding-DNA position 454, G replaced by T.
Protein change: p.Val152Phe; replaces valine 152 with phenylalanine.
Molecular consequence: missense variant.
Genome position (GRCh38, 1-based): chr1:114,708,651, C>A on the plus strand (G>T on the coding strand, the complement: NRAS is on the minus strand). VCF-style: chr1-114708651-C-A. GRCh37 (hg19) VCF-style: chr1-115251272-C-A.
Other names: short protein forms V152F.
Identifiers: ClinVar variation 1719074 (VCV001719074.5), dbSNP rs757968407, ClinGen allele CA29041545.